The following is an entry in ClinVar:

ClinVar aggregate classification (germline): Uncertain significance (1 of 4 stars; one submission).

Conditions:
Catecholaminergic polymorphic ventricular tachycardia 1. Also called: VENTRICULAR TACHYCARDIA, STRESS-INDUCED POLYMORPHIC 1; RYR2-Related Catecholaminergic Polymorphic Ventricular Tachycardia; VENTRICULAR TACHYCARDIA, CATECHOLAMINERGIC POLYMORPHIC, 1, WITH OR WITHOUT ATRIAL DYSFUNCTION AND/OR DILATED CARDIOMYOPATHY. Identifiers: Orphanet 3286, MedGen C1631597, MONDO:0011484, OMIM 604772.

Submission:

Labcorp Genetics (formerly Invitae), Labcorp
Classification: Uncertain significance for Catecholaminergic polymorphic ventricular tachycardia 1. Last evaluated: 2023-11-24. Review status: criteria provided, single submitter. Criteria: Invitae Variant Classification Sherloc (09022015). Collection method: clinical testing. Allele origin: germline.
Comment: This sequence change replaces isoleucine, which is neutral and non-polar, with methionine, which is neutral and non-polar, at codon 559 of the RYR2 protein (p.Ile559Met). This variant is not present in population databases (gnomAD no frequency). This variant has not been reported in the literature in individuals affected with RYR2-related conditions. Advanced modeling of protein sequence and biophysical properties (such as structural, functional, and spatial information, amino acid conservation, physicochemical variation, residue mobility, and thermodynamic stability) performed at Invitae indicates that this missense variant is not expected to disrupt RYR2 protein function with a negative predictive value of 95%. In summary, the available evidence is currently insufficient to determine the role of this variant in disease. Therefore, it has been classified as a Variant of Uncertain Significance.

NM_001035.3(RYR2):c.1677C>G (p.Ile559Met)

Gene: RYR2 (ryanodine receptor 2; plus strand). Cytogenetic location: 1q43.
Variant type: single nucleotide variant.
Coding change: c.1677C>G on transcript NM_001035.3 (MANE Select); coding-DNA position 1677, C replaced by G.
Protein change: p.Ile559Met; replaces isoleucine 559 with methionine.
Molecular consequence: missense variant.
Genome position (GRCh38, 1-based): chr1:237,469,156, C>G. VCF-style: chr1-237469156-C-G. GRCh37 (hg19) VCF-style: chr1-237632456-C-G.
Other names: short protein forms I559M.
Identifiers: ClinVar variation 2860182 (VCV002860182.3), dbSNP rs2528758164, ClinGen allele CA345383933.
Genomic context (GRCh38, chr1:237,469,156, plus strand): 5'-TCTAATTAGAGGAAATCGTAAAAACTGTGCTCAATTTTCTGGCTCCCTCGACTGGTTGAT[C>G]AGCAGATTGGAAAGACTGGAAGCTTCTTCAGGTATGTTTTCTAGTTTTTTCCTTGTTGTG-3'
Protein context (NP_001026.2, residues 549-569): AQFSGSLDWL[Ile559Met]SRLERLEASS